The following is an entry in ClinVar:

ClinVar aggregate classification (germline): Benign/Likely benign. Review status: criteria provided, multiple submitters, no conflicts (2 of 4 stars). 2 submissions from 2 submitters: Benign (1); Likely benign (1). Last evaluated 2024-12-10.

Conditions:
Hypouricemia, renal, 2. Also called: HYPOURICEMIA, RENAL, 2, AUTOSOMAL DOMINANT; HYPOURICEMIA, RENAL, 2, AUTOSOMAL RECESSIVE. Identifiers: MedGen C2677549, MONDO:0012793, OMIM 612076.

Allele frequency attached by ClinVar (database versions not stated): gnomAD exomes 0.00005 and 0.00012; ESP Exome Variant Server 0.00008; gnomAD 0.00013; TOPMed 0.00015; 1000 Genomes Project 30x 0.00016; ExAC 0.00019; 1000 Genomes Project 0.00020.
gnomAD v4.1: 100 of 1,540,040 alleles (0.0065%); highest among the groups gnomAD compares: Admixed American, 0.029%; no homozygotes.

Submissions (2):

Labcorp Genetics (formerly Invitae), Labcorp
Classification: Likely benign. Last evaluated: 2024-12-10. Review status: criteria provided, single submitter. Criteria: Invitae Variant Classification Sherloc (09022015). Collection method: clinical testing. Allele origin: germline.

Illumina Laboratory Services, Illumina
Classification: Benign for Hypouricemia, renal, 2. Last evaluated: 2018-01-12. Review status: criteria provided, single submitter. Criteria: ICSL Variant Classification Criteria 13 December 2019. Collection method: clinical testing. Allele origin: germline.
Comment: This variant was observed in the ICSL laboratory as part of a predisposition screen in an ostensibly healthy population. It had not been previously curated by ICSL or reported in the Human Gene Mutation Database (HGMD: prior to June 1st, 2018), and was therefore a candidate for classification through an automated scoring system. Utilizing variant allele frequency, disease prevalence and penetrance estimates, and inheritance mode, an automated score was calculated to assess if this variant is too frequent to cause the disease. Based on the score and internal cut-off values, a variant classified as benign is not then subjected to further curation. The score for this variant resulted in a classification of benign for this disease.

NM_020041.3(SLC2A9):c.1221C>T (p.His407=)

Gene: SLC2A9 (solute carrier family 2 member 9; minus strand). Cytogenetic location: 4p16.1.
Variant type: single nucleotide variant.
Coding change: c.1221C>T on transcript NM_020041.3 (MANE Select); coding-DNA position 1221, C replaced by T.
Protein change: p.His407=; no amino-acid change (histidine 407 retained).
Molecular consequence: synonymous variant.
Genome position (GRCh38, 1-based): chr4:9,887,637, G>A on the plus strand (C>T on the coding strand, the complement: SLC2A9 is on the minus strand). VCF-style: chr4-9887637-G-A. GRCh37 (hg19) VCF-style: chr4-9889261-G-A.
Other names: c.1134C>T, p.His378= (NM_001001290.2).
Identifiers: ClinVar variation 350202 (VCV000350202.8), dbSNP rs369754879, ClinGen allele CA2856923.